The following is an entry in ClinVar:

NM_001159699.2(FHL1):c.829A>G (p.Asn277Asp)

Gene: FHL1 (four and a half LIM domains 1; plus strand). Cytogenetic location: Xq26.3.
Variant type: single nucleotide variant.
Coding change: c.829A>G on transcript NM_001159699.2 (MANE Select); coding-DNA position 829, A replaced by G.
Protein change: p.Asn277Asp; replaces asparagine 277 with aspartic acid.
Molecular consequence: missense variant. On other transcripts: 3 prime UTR variant (7), non-coding transcript variant (1).
Genome position (GRCh38, 1-based): chrX:136,209,963, A>G. VCF-style: chrX-136209963-A-G. GRCh37 (hg19) VCF-style: chrX-135292122-A-G.
Other names: c.781A>G, p.Asn261Asp (NM_001159700.2, NM_001159704.1, NM_001167819.1 and 4 more transcripts); c.868A>G, p.Asn290Asp (NM_001159701.2); c.*9A>G (NM_001159702.3, NM_001159703.2, NM_001330659.2 and 4 more transcripts); short protein forms N290D, N277D, N261D.
Identifiers: ClinVar variation 5021797 (VCV005021797.1).

ClinVar aggregate classification (germline): Uncertain significance (1 of 4 stars; one submission).

Conditions:
Cardiovascular phenotype. Identifiers: MedGen CN230736.

Submission:

Ambry Genetics
Classification: Uncertain significance for Cardiovascular phenotype. Last evaluated: 2026-08-29. Review status: criteria provided, single submitter. Criteria: Ambry Variant Classification Scheme 2023. Collection method: clinical testing. Allele origin: germline.
Comment: The p.N261D variant (also known as c.781A>G), located in coding exon 5 of the FHL1 gene, results from an A to G substitution at nucleotide position 781. The asparagine at codon 261 is replaced by aspartic acid, an amino acid with highly similar properties. This amino acid position is conserved. In addition, this alteration is predicted to be tolerated by in silico analysis. Based on the available evidence, the clinical significance of this variant remains unclear.